The following is an entry in ClinVar:

ClinVar aggregate classification (germline): Likely benign (1 of 4 stars; one submission).

Allele frequency attached by ClinVar (database versions not stated): 1000 Genomes Project 30x 0.00156; 1000 Genomes Project 0.00180.

Submission:

CeGaT Center for Human Genetics Tuebingen
Classification: Likely benign. Last evaluated: 2022-12-01. Review status: criteria provided, single submitter. Criteria: CeGaT Center For Human Genetics Tuebingen Variant Classification Criteria Version 2. Collection method: clinical testing. Allele origin: germline. Affected: yes. Observed: 1 variant allele.
Comment: USP31: BP4, BP7, BS2

NM_020718.4(USP31):c.2442G>A (p.Ser814=)

Gene: USP31 (ubiquitin specific peptidase 31; minus strand). Cytogenetic location: 16p12.2.
Variant type: single nucleotide variant.
Coding change: c.2442G>A on transcript NM_020718.4 (MANE Select); coding-DNA position 2442, G replaced by A.
Protein change: p.Ser814=; no amino-acid change (serine 814 retained).
Molecular consequence: synonymous variant. On other transcripts: non-coding transcript variant (1).
Genome position (GRCh38, 1-based): chr16:23,072,091, C>T on the plus strand (G>A on the coding strand, the complement: USP31 is on the minus strand). VCF-style: chr16-23072091-C-T. GRCh37 (hg19) VCF-style: chr16-23083412-C-T.
Other names: c.2322G>A, p.Ser774= (NM_001387221.1).
Identifiers: ClinVar variation 2646317 (VCV002646317.24), dbSNP rs546697725, ClinGen allele CA7958806.